The following is an entry in ClinVar:

NM_000843.4(GRM6):c.1037G>A (p.Arg346Gln)

Genes: GRM6 (glutamate metabotropic receptor 6; minus strand), ZNF454 (zinc finger protein 454; plus strand). Cytogenetic location: 5q35.3.
Variant type: single nucleotide variant.
Coding change: c.1037G>A on transcript NM_000843.4 (MANE Select); coding-DNA position 1037, G replaced by A.
Protein change: p.Arg346Gln; replaces arginine 346 with glutamine.
Molecular consequence: missense variant.
Genome position (GRCh38, 1-based): chr5:178,989,381, C>T on the plus strand (G>A on the coding strand, the complement: GRM6 is on the minus strand). VCF-style: chr5-178989381-C-T. GRCh37 (hg19) VCF-style: chr5-178416382-C-T.
Other names: short protein forms R346Q.
Identifiers: ClinVar variation 2991039 (VCV002991039.3), dbSNP rs768585935, ClinGen allele CA133027989.
Genomic context (GRCh38, chr5:178,989,381, plus strand): 5'-TTAAAATTCTCTTCCCAGAACTCGGCGAACCAGATGTTCCTGCGGTTGTTCTCCAGGGAT[C>T]GAGTCATGAAGTACTGGTCAAATCCTACAGACAGGGAAGAAGGGGGAGGGTGGCGCTGAC-3'
Protein context (NP_000834.2, residues 336-356): IDGFDQYFMT[Arg346Gln]SLENNRRNIW

ClinVar aggregate classification (germline): Uncertain significance (1 of 4 stars; one submission).

gnomAD v4.1: 10 of 1,613,874 alleles (0.00062%); highest among the groups gnomAD compares: Middle Eastern, 0.016%; no homozygotes.

Submission:

Labcorp Genetics (formerly Invitae), Labcorp
Classification: Uncertain significance. Last evaluated: 2024-05-20. Review status: criteria provided, single submitter. Criteria: Invitae Variant Classification Sherloc (09022015). Collection method: clinical testing. Allele origin: germline.
Comment: This sequence change replaces arginine, which is basic and polar, with glutamine, which is neutral and polar, at codon 346 of the GRM6 protein (p.Arg346Gln). This variant is present in population databases (no rsID available, gnomAD 0.003%). This variant has not been reported in the literature in individuals affected with GRM6-related conditions. Advanced modeling of protein sequence and biophysical properties (such as structural, functional, and spatial information, amino acid conservation, physicochemical variation, residue mobility, and thermodynamic stability) performed at Invitae indicates that this missense variant is not expected to disrupt GRM6 protein function with a negative predictive value of 80%. In summary, the available evidence is currently insufficient to determine the role of this variant in disease. Therefore, it has been classified as a Variant of Uncertain Significance.